The following is an entry in ClinVar:

ClinVar aggregate classification (germline): Uncertain significance (1 of 4 stars; one submission).

Allele frequency attached by ClinVar (database versions not stated): gnomAD exomes below 0.00001.
gnomAD v4.1: 2 of 1,614,152 alleles (0.00012%); highest among the groups gnomAD compares: Admixed American, 0.0033%; no homozygotes.

Submission:

Labcorp Genetics (formerly Invitae), Labcorp
Classification: Uncertain significance. Last evaluated: 2022-07-06. Review status: criteria provided, single submitter. Criteria: Invitae Variant Classification Sherloc (09022015). Collection method: clinical testing. Allele origin: germline.
Comment: This sequence change replaces serine, which is neutral and polar, with proline, which is neutral and non-polar, at codon 263 of the TANGO2 protein (p.Ser263Pro). This variant is present in population databases (no rsID available, gnomAD 0.006%). This variant has not been reported in the literature in individuals affected with TANGO2-related conditions. Algorithms developed to predict the effect of missense changes on protein structure and function are either unavailable or do not agree on the potential impact of this missense change (SIFT: "Not Available"; PolyPhen-2: "Benign"; Align-GVGD: "Not Available"). In summary, the available evidence is currently insufficient to determine the role of this variant in disease. Therefore, it has been classified as a Variant of Uncertain Significance.

NM_152906.7(TANGO2):c.787T>C (p.Ser263Pro)

Gene: TANGO2 (transport and golgi organization 2 homolog; plus strand). Cytogenetic location: 22q11.21.
Variant type: single nucleotide variant.
Coding change: c.787T>C on transcript NM_152906.7 (MANE Select); coding-DNA position 787, T replaced by C.
Protein change: p.Ser263Pro; replaces serine 263 with proline.
Molecular consequence: missense variant. On other transcripts: 3 prime UTR variant (7), non-coding transcript variant (5).
Genome position (GRCh38, 1-based): chr22:20,064,618, T>C. VCF-style: chr22-20064618-T-C. GRCh37 (hg19) VCF-style: chr22-20052141-T-C.
Other names: c.787T>C, p.Ser263Pro (NM_001283106.3, NM_001283116.3); c.910T>C, p.Ser304Pro (NM_001283129.3, NM_001322143.2); c.*26T>C (NM_001283148.3, NM_001283154.3, NM_001322144.2 and 2 more transcripts); c.601T>C, p.Ser201Pro (NM_001283179.3, NM_001283186.3, NM_001322163.2 and 2 more transcripts); c.562T>C, p.Ser188Pro (NM_001283199.3); c.*54T>C (NM_001283215.3); c.493T>C, p.Ser165Pro (NM_001283235.3, NM_001322171.2, NM_001322172.2 and 3 more transcripts); c.*123T>C (NM_001283248.3); and 6 more; short protein forms S201P, S242P, S263P, S165P, S281P, S356P, S229P, S315P.
Identifiers: ClinVar variation 2183495 (VCV002183495.1), dbSNP rs1223483747, ClinGen allele CA410700635.